The following is an entry in ClinVar:

ClinVar aggregate classification (germline): Uncertain significance (1 of 4 stars; one submission).

Submission:

Women's Health and Genetics/Laboratory Corporation of America, LabCorp
Classification: Uncertain significance. Last evaluated: 2022-08-18. Review status: criteria provided, single submitter. Criteria: LabCorp Variant Classification Summary - May 2015. Collection method: clinical testing. Allele origin: germline.
Comment: Variant summary: CACNA1E c.1224A>G (p.Glu408Glu) alters a conserved nucleotide located close to a canonical splice site and therefore could affect mRNA splicing, leading to a significantly altered protein sequence. Several computational tools predict a significant impact on normal splicing: Three predict the variant weakens a 5' canonical donor site, and one predicts the variant creates a 3' acceptor site. However, these predictions have yet to be confirmed by functional studies. The variant was absent in 236500 control chromosomes (gnomAD). The available data on variant occurrences in the general population are insufficient to allow any conclusion about variant significance. To our knowledge, no occurrence of c.1224A>G in individuals affected with early infantile epileptic encephalopathy, and no experimental evidence demonstrating its impact on protein function have been reported. No clinical diagnostic laboratories have submitted clinical-significance assessments for this variant to ClinVar after 2014. Based on the evidence outlined above, the variant was classified as uncertain significance.

NM_001205293.3(CACNA1E):c.1224A>G (p.Glu408=)

Gene: CACNA1E (calcium voltage-gated channel subunit alpha1 E; plus strand). Cytogenetic location: 1q25.3.
Variant type: single nucleotide variant.
Coding change: c.1224A>G on transcript NM_001205293.3 (MANE Select); coding-DNA position 1224, A replaced by G.
Protein change: p.Glu408=; no amino-acid change (glutamic acid 408 retained).
Molecular consequence: synonymous variant.
Genome position (GRCh38, 1-based): chr1:181,715,390, A>G. VCF-style: chr1-181715390-A-G. GRCh37 (hg19) VCF-style: chr1-181684526-A-G.
Other names: c.1224A>G, p.Glu408= (NM_000721.4, NM_001205294.2).
Identifiers: ClinVar variation 1705130 (VCV001705130.1), dbSNP rs1385165805, ClinGen allele CA422070332.